The following is an entry in ClinVar:

ClinVar aggregate classification (germline): Uncertain significance (1 of 4 stars; one submission).

Submission:

GeneDx
Classification: Uncertain significance. Last evaluated: 2024-02-23. Review status: criteria provided, single submitter. Criteria: GeneDx Variant Classification Process June 2021. Collection method: clinical testing. Allele origin: germline. Affected: yes.
Comment: Not observed at significant frequency in large population cohorts (gnomAD); In silico analysis supports that this missense variant does not alter protein structure/function; Has not been previously published as pathogenic or benign to our knowledge

NM_000443.4(ABCB4):c.2542A>T (p.Ile848Leu)

Gene: ABCB4 (ATP binding cassette subfamily B member 4; minus strand). Cytogenetic location: 7q21.12.
Variant type: single nucleotide variant.
Coding change: c.2542A>T on transcript NM_000443.4 (MANE Select); coding-DNA position 2542, A replaced by T.
Protein change: p.Ile848Leu; replaces isoleucine 848 with leucine.
Molecular consequence: missense variant.
Genome position (GRCh38, 1-based): chr7:87,417,452, T>A on the plus strand (A>T on the coding strand, the complement: ABCB4 is on the minus strand). VCF-style: chr7-87417452-T-A. GRCh37 (hg19) VCF-style: chr7-87046768-T-A.
Other names: c.2542A>T, p.Ile848Leu (NM_018849.3, NM_018850.3); short protein forms I848L.
Identifiers: ClinVar variation 3369734 (VCV003369734.1).